The following is an entry in ClinVar:

NM_032043.3(BRIP1):c.178G>C (p.Ala60Pro)

Gene: BRIP1 (BRCA1 interacting DNA helicase 1; minus strand). Cytogenetic location: 17q23.2.
Variant type: single nucleotide variant.
Coding change: c.178G>C on transcript NM_032043.3 (MANE Select); coding-DNA position 178, G replaced by C.
Protein change: p.Ala60Pro; replaces alanine 60 with proline.
Molecular consequence: missense variant.
Genome position (GRCh38, 1-based): chr17:61,859,823, C>G on the plus strand (G>C on the coding strand, the complement: BRIP1 is on the minus strand). VCF-style: chr17-61859823-C-G. GRCh37 (hg19) VCF-style: chr17-59937184-C-G.
Other names: short protein forms A60P.
Identifiers: ClinVar variation 861054 (VCV000861054.9), dbSNP rs1555618394, ClinGen allele CA400485703.

ClinVar aggregate classification (germline): Uncertain significance. Review status: criteria provided, multiple submitters, no conflicts (2 of 4 stars). 2 submissions from 2 submitters: Uncertain significance (2). Last evaluated 2026-01-06.

Conditions:
Hereditary cancer-predisposing syndrome. Also called: Hereditary neoplastic syndrome; Tumor predisposition; Neoplastic Syndromes, Hereditary; Hereditary Cancer Syndrome. Identifiers: Orphanet 140162, MedGen C0027672, MeSH D009386, MONDO:0015356.
Fanconi anemia complementation group J. Also called: BRIP1-Related Fanconi Anemia. Identifiers: Orphanet 84, MedGen C1836860, MONDO:0012187, OMIM 609054.
Familial cancer of breast. Also called: hereditary breast carcinoma; BREAST CANCER, FAMILIAL; Hereditary breast cancer. Identifiers: Orphanet 227535, MedGen C0346153, MONDO:0016419, OMIM 114480. Disease mechanism: loss of function.

Submissions (2):

Labcorp Genetics (formerly Invitae), Labcorp
Classification: Uncertain significance for Familial cancer of breast; Fanconi anemia complementation group J. Last evaluated: 2026-01-06. Review status: criteria provided, single submitter. Criteria: Invitae Variant Classification Sherloc (09022015). Collection method: clinical testing. Allele origin: germline.
Comment: This sequence change replaces alanine, which is neutral and non-polar, with proline, which is neutral and non-polar, at codon 60 of the BRIP1 protein (p.Ala60Pro). This variant is not present in population databases (gnomAD no frequency). This variant has not been reported in the literature in individuals affected with BRIP1-related conditions. ClinVar contains an entry for this variant (Variation ID: 861054). Invitae Evidence Modeling of protein sequence and biophysical properties (such as structural, functional, and spatial information, amino acid conservation, physicochemical variation, residue mobility, and thermodynamic stability) has been performed for this missense variant. However, the output from this modeling did not meet the statistical confidence thresholds required to predict the impact of this variant on BRIP1 protein function. In summary, the available evidence is currently insufficient to determine the role of this variant in disease. Therefore, it has been classified as a Variant of Uncertain Significance.

Ambry Genetics
Classification: Uncertain significance for Hereditary cancer-predisposing syndrome. Last evaluated: 2024-11-04. Review status: criteria provided, single submitter. Criteria: Ambry Variant Classification Scheme 2023. Collection method: clinical testing. Allele origin: germline.
Comment: The p.A60P variant (also known as c.178G>C), located in coding exon 2 of the BRIP1 gene, results from a G to C substitution at nucleotide position 178. The alanine at codon 60 is replaced by proline, an amino acid with highly similar properties. This amino acid position is highly conserved in available vertebrate species. In addition, this alteration is predicted to be deleterious by in silico analysis. Based on the available evidence, the clinical significance of this variant remains unclear.